The following is an entry in ClinVar:

NM_000388.4(CASR):c.2325C>G (p.Phe775Leu)

Gene: CASR (calcium sensing receptor; plus strand). Cytogenetic location: 3q21.1.
Variant type: single nucleotide variant.
Coding change: c.2325C>G on transcript NM_000388.4 (MANE Select); coding-DNA position 2325, C replaced by G.
Protein change: p.Phe775Leu; replaces phenylalanine 775 with leucine.
Molecular consequence: missense variant.
Genome position (GRCh38, 1-based): chr3:122,284,279, C>G. VCF-style: chr3-122284279-C-G. GRCh37 (hg19) VCF-style: chr3-122003126-C-G.
Other names: c.2355C>G, p.Phe785Leu (NM_001178065.2); short protein forms F775L, F785L.
Identifiers: ClinVar variation 577523 (VCV000577523.12), dbSNP rs767586088, ClinGen allele CA354159517.
Genomic context (GRCh38, chr3:122,284,279, plus strand): 5'-GCTGGAGGATGAGATCATCTTCATCACGTGCCACGAGGGCTCCCTCATGGCCCTGGGCTT[C>G]CTGATCGGCTACACCTGCCTGCTGGCTGCCATCTGCTTCTTCTTTGCCTTCAAGTCCCGG-3'
Protein context (NP_000379.3, residues 765-785): CHEGSLMALG[Phe775Leu]LIGYTCLLAA

ClinVar aggregate classification (germline): Uncertain significance. Review status: criteria provided, multiple submitters, no conflicts (2 of 4 stars). 2 submissions from 2 submitters: Uncertain significance (2). Last evaluated 2022-12-04.

Conditions:
Familial hypocalciuric hypercalcemia (FHH). Also called: Familial benign hypercalcemia. Identifiers: Orphanet 405, MedGen C1809471, MONDO:0018458.
Autosomal dominant hypocalcemia 1 (HYPOC1). Also called: HYPOCALCEMIA, FAMILIAL. Identifiers: MedGen C3715128, MONDO:0011013, OMIM 601198.
Nephrolithiasis/nephrocalcinosis. Identifiers: MedGen CN580796.

Submissions (2):

Ambry Genetics
Classification: Uncertain significance for Nephrolithiasis/nephrocalcinosis. Last evaluated: 2022-12-04. Review status: criteria provided, single submitter. Criteria: Ambry Variant Classification Scheme 2023. Collection method: clinical testing. Allele origin: germline.
Comment: The p.F775L variant (also known as c.2325C>G), located in coding exon 6 of the CASR gene, results from a C to G substitution at nucleotide position 2325. The phenylalanine at codon 775 is replaced by leucine, an amino acid with highly similar properties. This amino acid position is conserved. In addition, the in silico prediction for this alteration is inconclusive. Since supporting evidence is limited at this time, the clinical significance of this alteration remains unclear.

Labcorp Genetics (formerly Invitae), Labcorp
Classification: Uncertain significance for Familial hypocalciuric hypercalcemia; Autosomal dominant hypocalcemia 1. Last evaluated: 2018-04-08. Review status: criteria provided, single submitter. Criteria: Invitae Variant Classification Sherloc (09022015). Collection method: clinical testing. Allele origin: germline.
Comment: In summary, the available evidence is currently insufficient to determine the role of this variant in disease. Therefore, it has been classified as a Variant of Uncertain Significance. Algorithms developed to predict the effect of missense changes on protein structure and function (SIFT, PolyPhen-2, Align-GVGD) all suggest that this variant is likely to be tolerated, but these predictions have not been confirmed by published functional studies and their clinical significance is uncertain. This variant has not been reported in the literature in individuals with CASR-related disease. This variant is not present in population databases (ExAC no frequency). This sequence change replaces phenylalanine with leucine at codon 775 of the CASR protein (p.Phe775Leu). The phenylalanine residue is highly conserved and there is a small physicochemical difference between phenylalanine and leucine.